The following is an entry in ClinVar:

ClinVar aggregate classification (germline): Likely benign. Review status: criteria provided, multiple submitters, no conflicts (2 of 4 stars). 2 submissions from 2 submitters: Likely benign (2). Last evaluated 2025-11-24.

Conditions:
Pitt-Hopkins-like syndrome 2 (PTHSL2). Identifiers: Orphanet 221150, Orphanet 600663, MedGen C3280479, MONDO:0013690, OMIM 614325.

Allele frequency attached by ClinVar (database versions not stated): gnomAD exomes below 0.00001; gnomAD 0.00001.
gnomAD v4.1: 2 of 1,609,414 alleles (0.00012%); highest among the groups gnomAD compares: African/African-American, 0.0013%; no homozygotes.

Submissions (2):

Labcorp Genetics (formerly Invitae), Labcorp
Classification: Likely benign for Pitt-Hopkins-like syndrome 2. Last evaluated: 2025-11-24. Review status: criteria provided, single submitter. Criteria: Invitae Variant Classification Sherloc (09022015). Collection method: clinical testing. Allele origin: germline.

Women's Health and Genetics/Laboratory Corporation of America, LabCorp
Classification: Likely benign. Last evaluated: 2024-09-23. Review status: criteria provided, single submitter. Criteria: LabCorp Variant Classification Summary - May 2015. Collection method: clinical testing. Allele origin: germline.
Comment: Variant summary: NRXN1 c.890-18C>T alters a conserved nucleotide located at a position not widely known to affect splicing. Consensus agreement among computation tools predict no significant impact on normal splicing. However, these predictions have yet to be confirmed by functional studies. The variant was absent in 243372 control chromosomes. The available data on variant occurrences in the general population are insufficient to allow any conclusion about variant significance. To our knowledge, no occurrence of c.890-18C>T in individuals affected with Pitt-Hopkins-Like Syndrome 2 and no experimental evidence demonstrating its impact on protein function have been reported. ClinVar contains an entry for this variant (Variation ID: 3012376). Based on the evidence outlined above, the variant was classified as likely benign.

NM_001330078.2(NRXN1):c.791-18C>T

Gene: NRXN1 (neurexin 1; minus strand). Cytogenetic location: 2p16.3.
Variant type: single nucleotide variant.
Coding change: c.791-18C>T on transcript NM_001330078.2 (MANE Select); 18 bases into the intron before coding-DNA position 791, C replaced by T.
Molecular consequence: intron variant.
Genome position (GRCh38, 1-based): chr2:50,922,705, G>A on the plus strand (C>T on the coding strand, the complement: NRXN1 is on the minus strand). VCF-style: chr2-50922705-G-A. GRCh37 (hg19) VCF-style: chr2-51149843-G-A.
Other names: c.788-18C>T (NM_001330093.2, NM_001330079.2); c.791-18C>T (NM_001330094.2, NM_001330095.2, NM_001330082.2 and 6 more transcripts); c.890-18C>T (NM_001135659.3); c.773-18C>T (NM_001330089.2, NM_001330088.2); c.772+104797C>T (NM_001330096.2, NM_001330087.2, NM_001330083.2 and 1 more transcripts).
Identifiers: ClinVar variation 3012376 (VCV003012376.4), dbSNP rs1686231387, ClinGen allele CA1030547631.